The following is an entry in ClinVar:

NM_006348.5(COG5):c.1240G>A (p.Asp414Asn)

Gene: COG5 (component of oligomeric golgi complex 5; minus strand). Cytogenetic location: 7q22.3.
Variant type: single nucleotide variant.
Coding change: c.1240G>A on transcript NM_006348.5 (MANE Select); coding-DNA position 1240, G replaced by A.
Protein change: p.Asp414Asn; replaces aspartic acid 414 with asparagine.
Molecular consequence: missense variant.
Genome position (GRCh38, 1-based): chr7:107,298,215, C>T on the plus strand (G>A on the coding strand, the complement: COG5 is on the minus strand). VCF-style: chr7-107298215-C-T. GRCh37 (hg19) VCF-style: chr7-106938660-C-T.
Other names: c.1240G>A, p.Asp414Asn (NM_001161520.2, NM_001379511.1, NM_001379512.1 and 3 more transcripts); c.670G>A, p.Asp224Asn (NM_001379515.1); c.526G>A, p.Asp176Asn (NM_001379516.1); c.1333G>A (NM_006348.3); short protein forms D224N, D414N, D176N.
Identifiers: ClinVar variation 1347790 (VCV001347790.6), dbSNP rs368514277, ClinGen allele CA4430973.
Genomic context (GRCh38, chr7:107,298,215, plus strand): 5'-TTTTTGGTATGAATATATCTTGTGCATCATCTTCCATGTGTTGTAGGTCAACATAGAGGT[C>T]TGTAGTTCCACTTGCATTAAAATTCCCTTGGATATGCTGACTGTATTGTTGAAGACGCTT-3'
Protein context (NP_006339.4, residues 404-424): QGNFNASGTT[Asp414Asn]LYVDLQHMED

ClinVar aggregate classification (germline): Uncertain significance. Review status: criteria provided, multiple submitters, no conflicts (2 of 4 stars). 2 submissions from 2 submitters: Uncertain significance (2). Last evaluated 2024-05-09.

Conditions:
Inborn genetic diseases. Identifiers: MedGen C0950123, MeSH D030342.
COG5-congenital disorder of glycosylation. Also called: CDG IIi; COG5-CDG; CONGENITAL DISORDER OF GLYCOSYLATION, TYPE IIi. Identifiers: Orphanet 263487, MedGen C3150876, MONDO:0013325, OMIM 613612.

Allele frequency attached by ClinVar (database versions not stated): gnomAD exomes below 0.00001 and 0.00001; ExAC 0.00001; gnomAD 0.00001; TOPMed 0.00001; ESP Exome Variant Server 0.00008.
gnomAD v4.1: 5 of 1,613,612 alleles (0.00031%); highest among the groups gnomAD compares: East Asian, 0.0045%; no homozygotes.

Submissions (2):

Ambry Genetics
Classification: Uncertain significance for Inborn genetic diseases. Last evaluated: 2024-05-09. Review status: criteria provided, single submitter. Criteria: Ambry Variant Classification Scheme 2023. Collection method: clinical testing. Allele origin: germline.

Labcorp Genetics (formerly Invitae), Labcorp
Classification: Uncertain significance for COG5-congenital disorder of glycosylation. Last evaluated: 2022-07-19. Review status: criteria provided, single submitter. Criteria: Invitae Variant Classification Sherloc (09022015). Collection method: clinical testing. Allele origin: germline.
Comment: This sequence change replaces aspartic acid, which is acidic and polar, with asparagine, which is neutral and polar, at codon 445 of the COG5 protein (p.Asp445Asn). This variant is present in population databases (rs368514277, gnomAD 0.002%). This variant has not been reported in the literature in individuals affected with COG5-related conditions. ClinVar contains an entry for this variant (Variation ID: 1347790). Algorithms developed to predict the effect of missense changes on protein structure and function are either unavailable or do not agree on the potential impact of this missense change (SIFT: "Deleterious"; PolyPhen-2: "Benign"; Align-GVGD: "Class C0"). In summary, the available evidence is currently insufficient to determine the role of this variant in disease. Therefore, it has been classified as a Variant of Uncertain Significance.